The following is an entry in ClinVar:

ClinVar aggregate classification (germline): Benign. Review status: criteria provided, multiple submitters, no conflicts (2 of 4 stars). 5 submissions from 5 submitters: Benign (5). Last evaluated 2026-01-27.

Conditions:
Imerslund-Grasbeck syndrome type 1 (IGS1). Also called: Megaloblastic anemia 1, Finnish type; MEGALOBLASTIC ANEMIA, 1; Imerslund-Gräsbeck syndrome 1. Identifiers: MedGen C4016819, MONDO:0100156, OMIM 261100.
Imerslund-Grasbeck syndrome. Also called: Megaloblastic anemia due to inborn errors of metabolism; Imerslund-Gräsbeck syndrome; ENTEROCYTE COBALAMIN MALABSORPTION; ENTEROCYTE INTRINSIC FACTOR RECEPTOR, DEFECT OF; PERNICIOUS ANEMIA, JUVENILE, DUE TO SELECTIVE INTESTINAL MALABSORPTION OF VITAMIN B12, WITH PROTEINURIA. Identifiers: Orphanet 35858, MedGen C4551825, MONDO:0009853.

Allele frequency attached by ClinVar (database versions not stated): gnomAD 0.03753 and 0.03499; 1000 Genomes Project 0.03874; ESP Exome Variant Server 0.04206; ExAC 0.01123; 1000 Genomes Project 30x 0.04294; TOPMed 0.04038; gnomAD exomes 0.00911.
gnomAD v4.1: 10,322 of 1,614,138 alleles (0.64%); highest among the groups gnomAD compares: African/African-American, 12%; 559 homozygotes.

Submissions (5):

Labcorp Genetics (formerly Invitae), Labcorp
Classification: Benign for Imerslund-Grasbeck syndrome. Last evaluated: 2026-01-27. Review status: criteria provided, single submitter. Criteria: Invitae Variant Classification Sherloc (09022015). Collection method: clinical testing. Allele origin: germline.

Mayo Clinic Laboratories, Mayo Clinic
Classification: Benign. Last evaluated: 2025-08-23. Review status: criteria provided, single submitter. Criteria: ACMG Guidelines, 2015. Collection method: clinical testing. Allele origin: germline. Observed: 14 variant alleles.

GeneDx
Classification: Benign. Last evaluated: 2019-02-21. Review status: criteria provided, single submitter. Criteria: GeneDx Variant Classification Process June 2021. Collection method: clinical testing. Allele origin: germline. Affected: yes.

Illumina Laboratory Services, Illumina
Classification: Benign for Imerslund-Grasbeck syndrome type 1. Last evaluated: 2018-01-13. Review status: criteria provided, single submitter. Criteria: ICSL Variant Classification Criteria 13 December 2019. Collection method: clinical testing. Allele origin: germline.
Comment: This variant was observed in the ICSL laboratory as part of a predisposition screen in an ostensibly healthy population. It had not been previously curated by ICSL or reported in the Human Gene Mutation Database (HGMD: prior to June 1st, 2018), and was therefore a candidate for classification through an automated scoring system. Utilizing variant allele frequency, disease prevalence and penetrance estimates, and inheritance mode, an automated score was calculated to assess if this variant is too frequent to cause the disease. Based on the score and internal cut-off values, a variant classified as benign is not then subjected to further curation. The score for this variant resulted in a classification of benign for this disease.

Breakthrough Genomics
Classification: Benign. Review status: criteria provided, single submitter. Criteria: ACMG Guidelines, 2015. Collection method: not provided. Allele origin: germline. Inheritance: Autosomal recessive inheritance. Affected: yes.

NM_001081.4(CUBN):c.109A>C (p.Ile37Leu)

Gene: CUBN (cubilin; minus strand). Cytogenetic location: 10p13.
Variant type: single nucleotide variant.
Coding change: c.109A>C on transcript NM_001081.4 (MANE Select); coding-DNA position 109, A replaced by C.
Protein change: p.Ile37Leu; replaces isoleucine 37 with leucine.
Molecular consequence: missense variant.
Genome position (GRCh38, 1-based): chr10:17,129,657, T>G on the plus strand (A>C on the coding strand, the complement: CUBN is on the minus strand). VCF-style: chr10-17129657-T-G. GRCh37 (hg19) VCF-style: chr10-17171656-T-G.
Other names: p.Ile37Leu; short protein forms I37L.
Identifiers: ClinVar variation 299547 (VCV000299547.17), dbSNP rs76788243, ClinGen allele CA5425797.
Genomic context (GRCh38, chr10:17,129,657, plus strand): 5'-GGAATTAGCCTAGTCCCTGAGCAGGAATGACCCATGTGTTTACTTACTGTTGGAGATTGA[T>G]GCTTCTTTTTTGTCTCTGCAGCTCAAGTTCTCCAGCTTCGCCATTTACTTCAGCAAATAT-3'
Protein context (NP_001072.2, residues 27-47): ELELQRQKRS[Ile37Leu]NLQQPRMATE